The following is an entry in ClinVar:

NM_006231.4(POLE):c.1543A>G (p.Ile515Val)

Gene: POLE (DNA polymerase epsilon, catalytic subunit; minus strand). Cytogenetic location: 12q24.33.
Variant type: single nucleotide variant.
Coding change: c.1543A>G on transcript NM_006231.4 (MANE Select); coding-DNA position 1543, A replaced by G.
Protein change: p.Ile515Val; replaces isoleucine 515 with valine.
Molecular consequence: missense variant.
Genome position (GRCh38, 1-based): chr12:132,672,770, T>C on the plus strand (A>G on the coding strand, the complement: POLE is on the minus strand). VCF-style: chr12-132672770-T-C. GRCh37 (hg19) VCF-style: chr12-133249356-T-C.
Other names: short protein forms I515V.
Identifiers: ClinVar variation 405703 (VCV000405703.10), dbSNP rs1060500815, ClinGen allele CA16613728.

ClinVar aggregate classification (germline): Conflicting classifications of pathogenicity. Review status: criteria provided, conflicting classifications (1 of 4 stars). 2 submissions from 2 submitters: Uncertain significance (1); Likely benign (1). Last evaluated 2025-12-16.

Conditions:
Hereditary cancer-predisposing syndrome. Also called: Hereditary Cancer Syndrome; Hereditary neoplastic syndrome; Neoplastic Syndromes, Hereditary; Tumor predisposition. Identifiers: Orphanet 140162, MedGen C0027672, MeSH D009386, MONDO:0015356.

Allele frequency attached by ClinVar (database versions not stated): gnomAD exomes below 0.00001; TOPMed below 0.00001.
gnomAD v4.1: 3 of 1,614,152 alleles (0.00019%); highest among the groups gnomAD compares: East Asian, 0.0022%; no homozygotes.

Submissions (2):

Labcorp Genetics (formerly Invitae), Labcorp
Classification: Uncertain significance. Last evaluated: 2025-12-16. Review status: criteria provided, single submitter. Criteria: Invitae Variant Classification Sherloc (09022015). Collection method: clinical testing. Allele origin: germline.
Comment: This sequence change replaces isoleucine, which is neutral and non-polar, with valine, which is neutral and non-polar, at codon 515 of the POLE protein (p.Ile515Val). This variant is not present in population databases (gnomAD no frequency). This variant has not been reported in the literature in individuals affected with POLE-related conditions. ClinVar contains an entry for this variant (Variation ID: 405703). Invitae Evidence Modeling of protein sequence and biophysical properties (such as structural, functional, and spatial information, amino acid conservation, physicochemical variation, residue mobility, and thermodynamic stability) indicates that this missense variant is not expected to disrupt POLE protein function with a negative predictive value of 80%. In summary, the available evidence is currently insufficient to determine the role of this variant in disease. Therefore, it has been classified as a Variant of Uncertain Significance.

Ambry Genetics
Classification: Likely benign for Hereditary cancer-predisposing syndrome. Last evaluated: 2023-04-28. Review status: criteria provided, single submitter. Criteria: Ambry Variant Classification Scheme 2023. Collection method: clinical testing. Allele origin: germline.